The following is an entry in ClinVar:

NM_001318852.2(MAPK8IP3):c.1217G>A (p.Gly406Glu)

Gene: MAPK8IP3 (mitogen-activated protein kinase 8 interacting protein 3; plus strand). Cytogenetic location: 16p13.3.
Variant type: single nucleotide variant.
Coding change: c.1217G>A on transcript NM_001318852.2 (MANE Select); coding-DNA position 1217, G replaced by A.
Protein change: p.Gly406Glu; replaces glycine 406 with glutamic acid.
Molecular consequence: missense variant.
Genome position (GRCh38, 1-based): chr16:1,758,148, G>A. VCF-style: chr16-1758148-G-A. GRCh37 (hg19) VCF-style: chr16-1808149-G-A.
Other names: c.1214G>A, p.Gly405Glu (NM_001040439.2, NM_015133.5); short protein forms G405E, G406E.
Identifiers: ClinVar variation 4975705 (VCV004975705.1).

ClinVar aggregate classification (germline): Uncertain significance (1 of 4 stars; one submission).

Submission:

GeneDx
Classification: Uncertain significance. Last evaluated: 2026-02-05. Review status: criteria provided, single submitter. Criteria: GeneDx Variant Classification Process June 2021. Collection method: clinical testing. Allele origin: germline.
Comment: Not observed at significant frequency in large population cohorts (gnomAD); In silico analysis supports that this missense variant has a deleterious effect on protein structure/function; Has not been previously published as pathogenic or benign to our knowledge; In silico analysis suggests this variant may impact gene splicing. In the absence of RNA/functional studies, the actual effect of this sequence change is unknown.